The following is an entry in ClinVar:

NM_000275.3(OCA2):c.1456G>C (p.Asp486His)

Gene: OCA2 (OCA2 melanosomal transmembrane protein; minus strand). Cytogenetic location: 15q13.1.
Variant type: single nucleotide variant.
Coding change: c.1456G>C on transcript NM_000275.3 (MANE Select); coding-DNA position 1456, G replaced by C.
Protein change: p.Asp486His; replaces aspartic acid 486 with histidine.
Molecular consequence: missense variant.
Genome position (GRCh38, 1-based): chr15:27,983,392, C>G on the plus strand (G>C on the coding strand, the complement: OCA2 is on the minus strand). VCF-style: chr15-27983392-C-G. GRCh37 (hg19) VCF-style: chr15-28228538-C-G.
Other names: c.1384G>C, p.Asp462His (NM_001300984.2); short protein forms D462H, D486H.
Identifiers: ClinVar variation 3895926 (VCV003895926.1).
Genomic context (GRCh38, chr15:27,983,392, plus strand): 5'-TGCTGGTACGTACCATCTTCCTCAGCTCTTGGTTGGAAACAATAATGACATTTGGAGGGT[C>G]CCCGATGGCAGTGGCAGCTCCTCCAATGTTTGTGAAGATCACTTCTGCAATCAGGACTTG-3'
Protein context (NP_000266.2, residues 476-496): NIGGAATAIG[Asp486His]PPNVIIVSNQ

ClinVar aggregate classification (germline): Uncertain significance (1 of 4 stars; one submission).

gnomAD v4.1: 1 of 1,614,170 alleles (0.000062%); highest among the groups gnomAD compares: Non-Finnish European, 0.000085%; no homozygotes.

Submission:

Women's Health and Genetics/Laboratory Corporation of America, LabCorp
Classification: Uncertain significance. Last evaluated: 2025-03-26. Review status: criteria provided, single submitter. Criteria: LabCorp Variant Classification Summary - May 2015. Collection method: clinical testing. Allele origin: germline.
Comment: Variant summary: OCA2 c.1456G>C (p.Asp486His) results in a non-conservative amino acid change in the encoded protein sequence. Five of five in-silico tools predict a damaging effect of the variant on protein function. The variant was absent in 251494 control chromosomes. The available data on variant occurrences in the general population are insufficient to allow any conclusion about variant significance. To our knowledge, no occurrence of c.1456G>C in individuals affected with Oculocutaneous Albinism and no experimental evidence demonstrating its impact on protein function have been reported. No submitters have cited clinical-significance assessments for this variant to ClinVar. Based on the evidence outlined above, the variant was classified as uncertain significance.